The following is an entry in ClinVar:

NM_004453.4(ETFDH):c.3G>T (p.Met1Ile)

Gene: ETFDH (electron transfer flavoprotein dehydrogenase; plus strand). Cytogenetic location: 4q32.1.
Variant type: single nucleotide variant.
Coding change: c.3G>T on transcript NM_004453.4 (MANE Select); coding-DNA position 3, G replaced by T.
Protein change: p.Met1Ile; changes the start codon (methionine 1).
Molecular consequence: missense variant, initiator codon variant.
Genome position (GRCh38, 1-based): chr4:158,672,459, G>T. VCF-style: chr4-158672459-G-T. GRCh37 (hg19) VCF-style: chr4-159593611-G-T.
Other names: c.3G>T, p.Met1Ile (NM_001281737.2); short protein forms M1I.
Identifiers: ClinVar variation 2746368 (VCV002746368.3), dbSNP rs1340862175, ClinGen allele CA358572986.
Genomic context (GRCh38, chr4:158,672,459, plus strand): 5'-CGCGAGCAGCGGACAGTCCTCCTGTTGTGTCCGACCGAGAGTCCTGGTGACTTTGAACAT[G>T]CTGGTGCCGCTAGCCAAGCTGTCCTGCCTGGGTGAGAGGAAACGGGCGGTGGGGATAAGT-3'
Protein context (NP_004444.2, residues 1-11): [Met1Ile]LVPLAKLSCL

ClinVar aggregate classification (germline): Pathogenic (1 of 4 stars; one submission).

Conditions:
Multiple acyl-CoA dehydrogenase deficiency (MADD). Also called: Glutaric aciduria, type 2; Glutaric acidemia type II; GA 2; Glutaric Acidemia type 2; ETHYLMALONIC-ADIPICACIDURIA; GA II. Identifiers: Orphanet 26791, MedGen C0268596, MONDO:0009282, OMIM 231680.

Submission:

Labcorp Genetics (formerly Invitae), Labcorp
Classification: Pathogenic for Multiple acyl-CoA dehydrogenase deficiency. Last evaluated: 2023-07-25. Review status: criteria provided, single submitter. Criteria: Invitae Variant Classification Sherloc (09022015). Collection method: clinical testing. Allele origin: germline.
Comment: This sequence change affects the initiator methionine of the ETFDH mRNA. The next in-frame methionine is located at codon 62. This variant is not present in population databases (gnomAD no frequency). Disruption of the initiator codon has been observed in individual(s) with multiple Acyl-CoA dehydrogenase deficiency (PMID: 24357026, 29336361, 35314173). In at least one individual the data is consistent with being in trans (on the opposite chromosome) from a pathogenic variant. This variant disrupts a region of the ETFDH protein in which other variant(s) (p.Pro27Ser) have been determined to be pathogenic (PMID: 3126856, 20023066, 27038534; Invitae). This suggests that this is a clinically significant region of the protein, and that variants that disrupt it are likely to be disease-causing. For these reasons, this variant has been classified as Pathogenic.

Literature cited by the submitters: PubMed 24357026; PubMed 29336361; PubMed 35314173; PubMed 3126856; PubMed 20023066; PubMed 27038534.